The following is an entry in ClinVar:

NM_014727.3(KMT2B):c.7492G>A (p.Gly2498Ser)

Gene: KMT2B (lysine methyltransferase 2B; plus strand). Cytogenetic location: 19q13.12.
Variant type: single nucleotide variant.
Coding change: c.7492G>A on transcript NM_014727.3 (MANE Select); coding-DNA position 7492, G replaced by A.
Protein change: p.Gly2498Ser; replaces glycine 2498 with serine.
Molecular consequence: missense variant.
Genome position (GRCh38, 1-based): chr19:35,737,205, G>A. VCF-style: chr19-35737205-G-A. GRCh37 (hg19) VCF-style: chr19-36228106-G-A.
Other names: short protein forms G2498S.
Identifiers: ClinVar variation 1307073 (VCV001307073.2), dbSNP rs1231025990, ClinGen allele CA405437320.

ClinVar aggregate classification (germline): Uncertain significance (1 of 4 stars; one submission).

Allele frequency attached by ClinVar (database versions not stated): gnomAD exomes below 0.00001.
gnomAD v4.1: 2 of 1,592,452 alleles (0.00013%); highest among the groups gnomAD compares: Non-Finnish European, 0.00017%; no homozygotes.

Submission:

GeneDx
Classification: Uncertain significance. Last evaluated: 2019-07-11. Review status: criteria provided, single submitter. Criteria: GeneDx Variant Classification Process June 2021. Collection method: clinical testing. Allele origin: germline. Affected: yes.
Comment: Not observed in large population cohorts (Lek et al., 2016); In silico analysis, which includes protein predictors and evolutionary conservation, supports that this variant does not alter protein structure/function; Has not been previously published as pathogenic or benign to our knowledge